The following is an entry in ClinVar:

NM_001077446.4(TSEN34):c.803C>T (p.Thr268Ile)

Gene: TSEN34 (tRNA splicing endonuclease subunit 34; plus strand). Cytogenetic location: 19q13.42.
Variant type: single nucleotide variant.
Coding change: c.803C>T on transcript NM_001077446.4 (MANE Select); coding-DNA position 803, C replaced by T.
Protein change: p.Thr268Ile; replaces threonine 268 with isoleucine.
Molecular consequence: missense variant.
Genome position (GRCh38, 1-based): chr19:54,193,232, C>T. VCF-style: chr19-54193232-C-T. GRCh37 (hg19) VCF-style: chr19-54697087-C-T.
Other names: c.803C>T, p.Thr268Ile (NM_001282332.2, NM_001282333.2, NM_001386740.1 and 1 more transcripts); short protein forms T268I.
Identifiers: ClinVar variation 1371080 (VCV001371080.6), dbSNP rs2147090391, ClinGen allele CA407765705.
Genomic context (GRCh38, chr19:54,193,232, plus strand): 5'-CAGGTGACCCCCTCCGCTTCCACGCCCATTATATCGCTCAGTGCTGGGCCCCTGAGGACA[C>T]CATCCCACTCCAAGACCTGGTTGCTGCTGGGCGCCTTGGAACCAGCGTCAGAAAGACCCT-3'
Protein context (NP_001070914.1, residues 258-278): YIAQCWAPED[Thr268Ile]IPLQDLVAAG

ClinVar aggregate classification (germline): Uncertain significance (1 of 4 stars; one submission).

Allele frequency attached by ClinVar (database versions not stated): gnomAD exomes below 0.00001.
gnomAD v4.1: 1 of 1,614,106 alleles (0.000062%); highest among the groups gnomAD compares: Non-Finnish European, 0.000085%; no homozygotes.

Submission:

Labcorp Genetics (formerly Invitae), Labcorp
Classification: Uncertain significance. Last evaluated: 2024-01-22. Review status: criteria provided, single submitter. Criteria: Invitae Variant Classification Sherloc (09022015). Collection method: clinical testing. Allele origin: germline.
Comment: This sequence change replaces threonine with isoleucine at codon 268 of the TSEN34 protein (p.Thr268Ile). The threonine residue is weakly conserved and there is a moderate physicochemical difference between threonine and isoleucine. This variant is not present in population databases (gnomAD no frequency). This variant has not been reported in the literature in individuals affected with TSEN34-related conditions. ClinVar contains an entry for this variant (Variation ID: 1371080). An algorithm developed to predict the effect of missense changes on protein structure and function (PolyPhen-2) suggests that this variant is likely to be tolerated. In summary, the available evidence is currently insufficient to determine the role of this variant in disease. Therefore, it has been classified as a Variant of Uncertain Significance.